The following is an entry in ClinVar:

NM_001142800.2(EYS):c.2845A>T (p.Arg949Ter)

Gene: EYS (EGF-like photoreceptor maintenance factor; minus strand). Cytogenetic location: 6q12.
Variant type: single nucleotide variant.
Coding change: c.2845A>T on transcript NM_001142800.2 (MANE Select); coding-DNA position 2845, A replaced by T.
Protein change: p.Arg949Ter; replaces arginine 949 with a stop codon.
Molecular consequence: nonsense.
Genome position (GRCh38, 1-based): chr6:64,902,114, T>A on the plus strand (A>T on the coding strand, the complement: EYS is on the minus strand). VCF-style: chr6-64902114-T-A. GRCh37 (hg19) VCF-style: chr6-65612007-T-A.
Other names: c.2845A>T, p.Arg949Ter (NM_001292009.2); short protein forms R949*.
Identifiers: ClinVar variation 2098479 (VCV002098479.5), dbSNP rs1767685068, ClinGen allele CA364785557.

ClinVar aggregate classification (germline): Pathogenic. Review status: criteria provided, multiple submitters, no conflicts (2 of 4 stars). 2 submissions from 2 submitters: Pathogenic (2). Last evaluated 2026-03-24.

Conditions:
Retinitis pigmentosa 25 (RP25). Identifiers: Orphanet 791, MedGen C1864446, MONDO:0011272, OMIM 602772.

Allele frequency attached by ClinVar (database versions not stated): gnomAD exomes below 0.00001.
gnomAD v4.1: 2 of 1,535,736 alleles (0.00013%); highest among the groups gnomAD compares: Non-Finnish European, 0.00018%; no homozygotes.

Submissions (2):

Myriad Genetics, Inc.
Classification: Pathogenic for Retinitis pigmentosa 25. Last evaluated: 2026-03-24. Review status: criteria provided, single submitter. Criteria: Myriad Autosomal Dominant, Autosomal Recessive and X-Linked Classification Criteria (2023). Collection method: clinical testing. Allele origin: unknown.
Comment: NM_001142800.1(EYS):c.2845A>T(R949*) is expected to be pathogenic in the context of retinitis pigmentosa, EYS-related. This variant is predicted to lead to an abnormal or absent protein product due to the creation of a premature termination codon in EYS, a gene where loss-of-function variants are known to be pathogenic. Please note: this variant was assessed in the context of healthy population screening.

Labcorp Genetics (formerly Invitae), Labcorp
Classification: Pathogenic. Last evaluated: 2022-02-18. Review status: criteria provided, single submitter. Criteria: Invitae Variant Classification Sherloc (09022015). Collection method: clinical testing. Allele origin: germline.
Comment: For these reasons, this variant has been classified as Pathogenic. This variant has not been reported in the literature in individuals affected with EYS-related conditions. This variant is not present in population databases (gnomAD no frequency). This sequence change creates a premature translational stop signal (p.Arg949*) in the EYS gene. It is expected to result in an absent or disrupted protein product. Loss-of-function variants in EYS are known to be pathogenic (PMID: 18836446, 20333770).

Literature cited by the submitters: PubMed 18836446 (cited by Labcorp Genetics (formerly Invitae), Labcorp); PubMed 20333770 (cited by Labcorp Genetics (formerly Invitae), Labcorp).